The following is an entry in ClinVar:

ClinVar aggregate classification (germline): Pathogenic (1 of 4 stars; one submission).

Conditions:
Mitochondrial DNA depletion syndrome 1. Also called: Mitochondrial neurogastrointestinal encephalomyopathy syndrome; Mitochondrial DNA depletion syndrome 1 (MNGIE type); Mitochondrial Neurogastrointestinal Encephalopathy Disease; MITOCHONDRIAL NEUROGASTROINTESTINAL ENCEPHALOPATHY SYNDROME, TYMP-RELATED; MNGIE, TYMP-RELATED; Mitochondrial DNA Depletion Syndrome, MNGIE Form. Identifiers: Orphanet 298, MedGen C4551995, MONDO:0011283, OMIM 603041.

gnomAD v4.1: 2 of 1,576,716 alleles (0.00013%); highest among the groups gnomAD compares: East Asian, 0.0023%; no homozygotes.

Submission:

Women's Health and Genetics/Laboratory Corporation of America, LabCorp
Classification: Pathogenic for Mitochondrial DNA depletion syndrome 1. Last evaluated: 2026-03-12. Review status: criteria provided, single submitter. Criteria: LabCorp Variant Classification Summary - May 2015. Collection method: clinical testing. Allele origin: germline.
Comment: Variant summary: TYMP c.877T>C (p.Cys293Arg) results in a non-conservative amino acid change in the encoded protein sequence. Algorithms developed to predict the effect of missense changes on protein structure and function all suggest that this variant is likely to be disruptive. The frequency data for this variant in gnomAD is considered unreliable, as metrics indicate poor data quality at this position. c.877T>C has been observed in multiple related individuals affected with Mitochondrial DNA Depletion Syndrome 1 (MNGIE type) from a large consanguineous pedigree (Redha_2024). These data indicate that the variant is very likely to be associated with disease. To our knowledge, no experimental evidence demonstrating an impact on protein function has been reported. The following publication has been ascertained in the context of this evaluation (PMID: 38550250). No submitters have cited clinical-significance assessments for this variant to ClinVar. Based on the evidence outlined above, the variant was classified as pathogenic.

Literature cited by the submitters: PubMed 38550250.

NM_001953.5(TYMP):c.877T>C (p.Cys293Arg)

Gene: TYMP (thymidine phosphorylase; minus strand). Cytogenetic location: 22q13.33.
Variant type: single nucleotide variant.
Coding change: c.877T>C on transcript NM_001953.5 (MANE Select); coding-DNA position 877, T replaced by C.
Protein change: p.Cys293Arg; replaces cysteine 293 with arginine.
Molecular consequence: missense variant.
Genome position (GRCh38, 1-based): chr22:50,526,627, A>G on the plus strand (T>C on the coding strand, the complement: TYMP is on the minus strand). VCF-style: chr22-50526627-A-G. GRCh37 (hg19) VCF-style: chr22-50965056-A-G.
Other names: c.877T>C, p.Cys293Arg (NM_001113755.3, NM_001113756.3, NM_001257988.1 and 1 more transcripts); short protein forms C293R.
Identifiers: ClinVar variation 4847280 (VCV004847280.1).